The following is an entry in ClinVar:

NM_000384.3(APOB):c.9100A>G (p.Lys3034Glu)

Gene: APOB (apolipoprotein B; minus strand). Cytogenetic location: 2p24.1.
Variant type: single nucleotide variant.
Coding change: c.9100A>G on transcript NM_000384.3 (MANE Select); coding-DNA position 9100, A replaced by G.
Protein change: p.Lys3034Glu; replaces lysine 3034 with glutamic acid.
Molecular consequence: missense variant.
Genome position (GRCh38, 1-based): chr2:21,007,768, T>C on the plus strand (A>G on the coding strand, the complement: APOB is on the minus strand). VCF-style: chr2-21007768-T-C. GRCh37 (hg19) VCF-style: chr2-21230640-T-C.
Other names: short protein forms K3034E.
Identifiers: ClinVar variation 4125170 (VCV004125170.1).

ClinVar aggregate classification (germline): Uncertain significance (1 of 4 stars; one submission).

Conditions:
Cardiovascular phenotype. Identifiers: MedGen CN230736.

gnomAD v4.1: 10 of 1,614,082 alleles (0.00062%); highest among the groups gnomAD compares: Non-Finnish European, 0.00085%; no homozygotes.

Submission:

Ambry Genetics
Classification: Uncertain significance for Cardiovascular phenotype. Last evaluated: 2025-07-30. Review status: criteria provided, single submitter. Criteria: Ambry Variant Classification Scheme 2023. Collection method: clinical testing. Allele origin: germline.
Comment: The p.K3034E variant (also known as c.9100A>G), located in coding exon 26 of the APOB gene, results from an A to G substitution at nucleotide position 9100. The lysine at codon 3034 is replaced by glutamic acid, an amino acid with similar properties. This amino acid position is conserved. In addition, this alteration is predicted to be tolerated by in silico analysis. Based on the available evidence, the clinical significance of this variant remains unclear.